The following is an entry in ClinVar:

NM_001367873.1(SOX6):c.884T>A (p.Ile295Lys)

Genes: SOX6 (SRY-box transcription factor 6; minus strand), LOC128772343 (melanoma risk locus-associated MPRA allelic enhancer 11:16133413; plus strand). Cytogenetic location: 11p15.2.
Variant type: single nucleotide variant.
Coding change: c.884T>A on transcript NM_001367873.1 (MANE Select); coding-DNA position 884, T replaced by A.
Protein change: p.Ile295Lys; replaces isoleucine 295 with lysine.
Molecular consequence: missense variant.
Genome position (GRCh38, 1-based): chr11:16,111,817, A>T on the plus strand (T>A on the coding strand, the complement: SOX6 is on the minus strand). VCF-style: chr11-16111817-A-T. GRCh37 (hg19) VCF-style: chr11-16133363-A-T.
Other names: c.884T>A, p.Ile295Lys (NM_001145811.2, NM_001145819.2, NM_001367872.1 and 2 more transcripts); short protein forms I295K.
Identifiers: ClinVar variation 1934001 (VCV001934001.3), dbSNP rs758070656, ClinGen allele CA5898320.

ClinVar aggregate classification (germline): Uncertain significance. Review status: criteria provided, multiple submitters, no conflicts (2 of 4 stars). 2 submissions from 2 submitters: Uncertain significance (2). Last evaluated 2025-12-10.

Conditions:
Inborn genetic diseases. Identifiers: MedGen C0950123, MeSH D030342.

Allele frequency attached by ClinVar (database versions not stated): gnomAD exomes 0.00001; TOPMed below 0.00001; ExAC 0.00001.
gnomAD v4.1: 5 of 1,613,162 alleles (0.00031%); highest among the groups gnomAD compares: Admixed American, 0.0083%; no homozygotes.

Submissions (2):

Ambry Genetics
Classification: Uncertain significance for Inborn genetic diseases. Last evaluated: 2025-12-10. Review status: criteria provided, single submitter. Criteria: Ambry Variant Classification Scheme 2023. Collection method: clinical testing. Allele origin: germline.

Labcorp Genetics (formerly Invitae), Labcorp
Classification: Uncertain significance. Last evaluated: 2022-08-11. Review status: criteria provided, single submitter. Criteria: Invitae Variant Classification Sherloc (09022015). Collection method: clinical testing. Allele origin: germline.
Comment: This sequence change replaces isoleucine, which is neutral and non-polar, with lysine, which is basic and polar, at codon 295 of the SOX6 protein (p.Ile295Lys). This variant is present in population databases (rs758070656, gnomAD 0.01%). This variant has not been reported in the literature in individuals affected with SOX6-related conditions. Algorithms developed to predict the effect of missense changes on protein structure and function are either unavailable or do not agree on the potential impact of this missense change (SIFT: "Deleterious"; PolyPhen-2: "Benign"; Align-GVGD: "Class C0"). In summary, the available evidence is currently insufficient to determine the role of this variant in disease. Therefore, it has been classified as a Variant of Uncertain Significance.